The following is an entry in ClinVar:

NM_001330078.2(NRXN1):c.2633C>T (p.Ala878Val)

Gene: NRXN1 (neurexin 1; minus strand). Cytogenetic location: 2p16.3.
Variant type: single nucleotide variant.
Coding change: c.2633C>T on transcript NM_001330078.2 (MANE Select); coding-DNA position 2633, C replaced by T.
Protein change: p.Ala878Val; replaces alanine 878 with valine.
Molecular consequence: missense variant.
Genome position (GRCh38, 1-based): chr2:50,497,579, G>A on the plus strand (C>T on the coding strand, the complement: NRXN1 is on the minus strand). VCF-style: chr2-50497579-G-A. GRCh37 (hg19) VCF-style: chr2-50724717-G-A.
Other names: c.2753C>T, p.Ala918Val (NM_001135659.3); c.2609C>T, p.Ala870Val (NM_001330077.2, NM_001330082.2); c.2567C>T, p.Ala856Val (NM_001330083.2, NM_001330084.2); c.2606C>T, p.Ala869Val (NM_001330085.2); c.2633C>T, p.Ala878Val (NM_001330086.2, NM_004801.6); c.2522C>T, p.Ala841Val (NM_001330087.2, NM_001330096.2); c.2552C>T, p.Ala851Val (NM_001330088.2); c.2630C>T, p.Ala877Val (NM_001330093.2); and 2 more; short protein forms A841V, A856V, A869V, A874V, A878V, A851V, A861V, A870V.
Identifiers: ClinVar variation 1403227 (VCV001403227.8), dbSNP rs2091708800, ClinGen allele CA346777217.

ClinVar aggregate classification (germline): Uncertain significance (1 of 4 stars; one submission).

Conditions:
Pitt-Hopkins-like syndrome 2 (PTHSL2). Identifiers: Orphanet 221150, Orphanet 600663, MedGen C3280479, MONDO:0013690, OMIM 614325.

Submission:

Labcorp Genetics (formerly Invitae), Labcorp
Classification: Uncertain significance for Pitt-Hopkins-like syndrome 2. Last evaluated: 2021-03-20. Review status: criteria provided, single submitter. Criteria: Invitae Variant Classification Sherloc (09022015). Collection method: clinical testing. Allele origin: germline.
Comment: This sequence change replaces alanine with valine at codon 918 of the NRXN1 protein (p.Ala918Val). The alanine residue is highly conserved and there is a small physicochemical difference between alanine and valine. This variant is not present in population databases (ExAC no frequency). This variant has not been reported in the literature in individuals with NRXN1-related conditions. In summary, the available evidence is currently insufficient to determine the role of this variant in disease. Therefore, it has been classified as a Variant of Uncertain Significance. Algorithms developed to predict the effect of sequence changes on RNA splicing suggest that this variant may create or strengthen a splice site, but this prediction has not been confirmed by published transcriptional studies. Algorithms developed to predict the effect of missense changes on protein structure and function (SIFT, PolyPhen-2, Align-GVGD) all suggest that this variant is likely to be tolerated, but these predictions have not been confirmed by published functional studies and their clinical significance is uncertain.